The following is an entry in ClinVar:

NM_000388.4(CASR):c.1843G>T (p.Ala615Ser)

Gene: CASR (calcium sensing receptor; plus strand). Cytogenetic location: 3q21.1.
Variant type: single nucleotide variant.
Coding change: c.1843G>T on transcript NM_000388.4 (MANE Select); coding-DNA position 1843, G replaced by T.
Protein change: p.Ala615Ser; replaces alanine 615 with serine.
Molecular consequence: missense variant.
Genome position (GRCh38, 1-based): chr3:122,283,797, G>T. VCF-style: chr3-122283797-G-T. GRCh37 (hg19) VCF-style: chr3-122002644-G-T.
Other names: c.1873G>T, p.Ala625Ser (NM_001178065.2); short protein forms A615S, A625S.
Identifiers: ClinVar variation 2417721 (VCV002417721.7), dbSNP rs768660050, ClinGen allele CA82748585.

ClinVar aggregate classification (germline): Uncertain significance (1 of 4 stars; one submission).

Conditions:
Familial hypocalciuric hypercalcemia (FHH). Also called: Familial benign hypercalcemia. Identifiers: Orphanet 405, MedGen C1809471, MONDO:0018458.
Autosomal dominant hypocalcemia 1 (HYPOC1). Also called: HYPOCALCEMIA, FAMILIAL. Identifiers: MedGen C3715128, MONDO:0011013, OMIM 601198.

gnomAD v4.1: 1 of 1,614,036 alleles (0.000062%); highest among the groups gnomAD compares: Non-Finnish European, 0.000085%; no homozygotes.

Submission:

Labcorp Genetics (formerly Invitae), Labcorp
Classification: Uncertain significance for Familial hypocalciuric hypercalcemia; Autosomal dominant hypocalcemia 1. Last evaluated: 2022-05-14. Review status: criteria provided, single submitter. Criteria: Invitae Variant Classification Sherloc (09022015). Collection method: clinical testing. Allele origin: germline.
Comment: In summary, the available evidence is currently insufficient to determine the role of this variant in disease. Therefore, it has been classified as a Variant of Uncertain Significance. Algorithms developed to predict the effect of missense changes on protein structure and function (SIFT, PolyPhen-2, Align-GVGD) all suggest that this variant is likely to be disruptive. This variant has not been reported in the literature in individuals affected with CASR-related conditions. This variant is not present in population databases (gnomAD no frequency). This sequence change replaces alanine, which is neutral and non-polar, with serine, which is neutral and polar, at codon 615 of the CASR protein (p.Ala615Ser).